The following is an entry in ClinVar:

ClinVar aggregate classification (germline): Uncertain significance (1 of 4 stars; one submission).

Conditions:
Muscular dystrophy-dystroglycanopathy (congenital with brain and eye anomalies), type a, 11 (MDDGA11). Also called: WALKER-WARBURG SYNDROME OR MUSCLE-EYE-BRAIN DISEASE, B3GALNT2-RELATED; Congenital muscular dystrophy-dystroglycanopathy with brain and eye anomalies, type A11; Muscular dystrophy-dystroglycanopathy (congenital with brain and eye anomalies, type A, 11. Identifiers: Orphanet 588, Orphanet 899, MedGen C3554638, MONDO:0014071, OMIM 615181.

Allele frequency attached by ClinVar (database versions not stated): TOPMed below 0.00001.

Submission:

Labcorp Genetics (formerly Invitae), Labcorp
Classification: Uncertain significance for Muscular dystrophy-dystroglycanopathy (congenital with brain and eye anomalies), type a, 11. Last evaluated: 2022-07-25. Review status: criteria provided, single submitter. Criteria: Invitae Variant Classification Sherloc (09022015). Collection method: clinical testing. Allele origin: germline.
Comment: This sequence change replaces asparagine, which is neutral and polar, with aspartic acid, which is acidic and polar, at codon 62 of the B3GALNT2 protein (p.Asn62Asp). This variant is not present in population databases (gnomAD no frequency). This variant has not been reported in the literature in individuals affected with B3GALNT2-related conditions. ClinVar contains an entry for this variant (Variation ID: 1020637). Algorithms developed to predict the effect of missense changes on protein structure and function (SIFT, PolyPhen-2, Align-GVGD) all suggest that this variant is likely to be tolerated. In summary, the available evidence is currently insufficient to determine the role of this variant in disease. Therefore, it has been classified as a Variant of Uncertain Significance.

NM_152490.5(B3GALNT2):c.184A>G (p.Asn62Asp)

Gene: B3GALNT2 (beta-1,3-N-acetylgalactosaminyltransferase 2; minus strand). Cytogenetic location: 1q42.3.
Variant type: single nucleotide variant.
Coding change: c.184A>G on transcript NM_152490.5 (MANE Select); coding-DNA position 184, A replaced by G.
Protein change: p.Asn62Asp; replaces asparagine 62 with aspartic acid.
Molecular consequence: missense variant.
Genome position (GRCh38, 1-based): chr1:235,494,757, T>C on the plus strand (A>G on the coding strand, the complement: B3GALNT2 is on the minus strand). VCF-style: chr1-235494757-T-C. GRCh37 (hg19) VCF-style: chr1-235658067-T-C.
Other names: c.307A>G, p.Asn103Asp (NM_001277155.3); short protein forms N103D, N62D.
Identifiers: ClinVar variation 1020637 (VCV001020637.2), dbSNP rs1352782835, ClinGen allele CA344931270.
Genomic context (GRCh38, chr1:235,494,757, plus strand): 5'-GATGCTGTAGCAAATGTCTCATCCAGGTGCTTCTTATCACGTTTCGAAGTTCATGGTTAT[T>C]GCGAGCTGACAACACGCCAACTACCACATCATAGTGAGTAGATTTCCACTGAGGAAATAA-3'
Protein context (NP_689703.1, residues 52-72): DVVVGVLSAR[Asn62Asp]NHELRNVIRS